The following is an entry in ClinVar:

NM_022725.4(FANCF):c.469C>T (p.Leu157Phe)

Gene: FANCF (FA complementation group F; minus strand). Cytogenetic location: 11p14.3.
Variant type: single nucleotide variant.
Coding change: c.469C>T on transcript NM_022725.4 (MANE Select); coding-DNA position 469, C replaced by T.
Protein change: p.Leu157Phe; replaces leucine 157 with phenylalanine.
Molecular consequence: missense variant.
Genome position (GRCh38, 1-based): chr11:22,625,342, G>A on the plus strand (C>T on the coding strand, the complement: FANCF is on the minus strand). VCF-style: chr11-22625342-G-A. GRCh37 (hg19) VCF-style: chr11-22646888-G-A.
Other names: short protein forms L157F.
Identifiers: ClinVar variation 408146 (VCV000408146.6), dbSNP rs1060501870, ClinGen allele CA16613287.

ClinVar aggregate classification (germline): Uncertain significance (1 of 4 stars; one submission).

Conditions:
Fanconi anemia (FA). Also called: Fanconi's anemia. Identifiers: Orphanet 84, MedGen C0015625, MeSH D005199, MONDO:0019391.

Allele frequency attached by ClinVar (database versions not stated): TOPMed below 0.00001; gnomAD 0.00001.

Submission:

Labcorp Genetics (formerly Invitae), Labcorp
Classification: Uncertain significance for Fanconi anemia. Last evaluated: 2021-09-01. Review status: criteria provided, single submitter. Criteria: Invitae Variant Classification Sherloc (09022015). Collection method: clinical testing. Allele origin: germline.
Comment: This sequence change replaces leucine with phenylalanine at codon 157 of the FANCF protein (p.Leu157Phe). The leucine residue is weakly conserved and there is a small physicochemical difference between leucine and phenylalanine. This variant is not present in population databases (ExAC no frequency). This variant has not been reported in the literature in individuals affected with FANCF-related conditions. Algorithms developed to predict the effect of missense changes on protein structure and function (SIFT, PolyPhen-2, Align-GVGD) all suggest that this variant is likely to be tolerated. In summary, the available evidence is currently insufficient to determine the role of this variant in disease. Therefore, it has been classified as a Variant of Uncertain Significance.